The following is an entry in ClinVar:

NM_153460.4(IL17RC):c.1295del (p.Gly432fs)

Gene: IL17RC (interleukin 17 receptor C; plus strand). Cytogenetic location: 3p25.3.
Variant type: Deletion.
Coding change: c.1295del on transcript NM_153460.4 (MANE Select); coding-DNA position 1295, one base deleted (G; older notation c.1295delG).
Protein change: p.Gly432fs; shifts the reading frame from glycine 432.
Molecular consequence: frameshift variant. On other transcripts: non-coding transcript variant (1).
Genome position (GRCh38, 1-based): chr3:9,930,416, G deleted; the last of 2 consecutive G bases (chr3:9,930,415-9,930,416); deleting either gives the same sequence. VCF-style (leftmost placement, unchanged base first): chr3-9930414-TG-T. GRCh37 (hg19) VCF-style: chr3-9972098-TG-T.
Other names: c.1295del, p.Gly432fs (NM_001203263.2); c.1244del, p.Gly415fs (NM_001203264.2); c.1199del, p.Gly400fs (NM_001203265.2, NM_001410711.1); c.1256del, p.Gly419fs (NM_001367278.1); c.1175del, p.Gly392fs (NM_001367279.1); c.1250del, p.Gly417fs (NM_001367280.1, NM_032732.6); c.1508del, p.Gly503fs (NM_153461.4); short protein forms G503fs, G415fs, G419fs, G392fs, G400fs, G417fs, G432fs.
Identifiers: ClinVar variation 4779452 (VCV004779452.1).

ClinVar aggregate classification (germline): Uncertain significance (1 of 4 stars; one submission).

Conditions:
Candidiasis, familial, 9 (CANDF9). Identifiers: Orphanet 1334, MedGen C4225324, MONDO:0014642, OMIM 616445.

Submission:

Labcorp Genetics (formerly Invitae), Labcorp
Classification: Uncertain significance for Candidiasis, familial, 9. Last evaluated: 2025-07-08. Review status: criteria provided, single submitter. Criteria: Invitae Variant Classification Sherloc (09022015). Collection method: clinical testing. Allele origin: germline.
Comment: This sequence change creates a premature translational stop signal (p.Gly503Glufs*66) in the IL17RC gene. While this is not anticipated to result in nonsense mediated decay, it is expected to disrupt the last 289 amino acid(s) of the IL17RC protein. This variant is not present in population databases (gnomAD no frequency). This variant has not been reported in the literature in individuals affected with IL17RC-related conditions. Experimental studies and prediction algorithms are not available or were not evaluated, and the functional significance of this variant is currently unknown. Algorithms developed to predict the effect of sequence changes on RNA splicing suggest that this variant may disrupt the consensus splice site. In summary, the available evidence is currently insufficient to determine the role of this variant in disease. Therefore, it has been classified as a Variant of Uncertain Significance.